The following is an entry in ClinVar:

NM_001161352.2(KCNMA1):c.3485A>G (p.Tyr1162Cys)

Gene: KCNMA1 (potassium calcium-activated channel subfamily M alpha 1; minus strand). Cytogenetic location: 10q22.3.
Variant type: single nucleotide variant.
Coding change: c.3485A>G on transcript NM_001161352.2 (MANE Select); coding-DNA position 3485, A replaced by G.
Protein change: p.Tyr1162Cys; replaces tyrosine 1162 with cysteine.
Molecular consequence: missense variant.
Genome position (GRCh38, 1-based): chr10:76,887,492, T>C on the plus strand (A>G on the coding strand, the complement: KCNMA1 is on the minus strand). VCF-style: chr10-76887492-T-C. GRCh37 (hg19) VCF-style: chr10-78647250-T-C.
Other names: c.3323A>G, p.Tyr1108Cys (NM_001014797.3); c.3434A>G, p.Tyr1145Cys (NM_001161353.2); c.3161A>G, p.Tyr1054Cys (NM_001271518.2); c.3401A>G, p.Tyr1134Cys (NM_001271519.2); c.3320A>G, p.Tyr1107Cys (NM_001322829.2, NM_001322836.2); c.3413A>G, p.Tyr1138Cys (NM_001322830.2); c.3311A>G, p.Tyr1104Cys (NM_001322832.2, NM_002247.4); c.3404A>G, p.Tyr1135Cys (NM_001322835.2, NM_001322837.2); and 1 more; short protein forms Y1135C, Y1138C, Y1104C, Y1107C, Y1108C, Y1162C, Y953C, Y1134C.
Identifiers: ClinVar variation 1494549 (VCV001494549.9), dbSNP rs2037618919, ClinGen allele CA377402925.
Genomic context (GRCh38, chr10:76,887,492, plus strand): 5'-GCATTGTGGTCAAACTGCATTAAGCAGAAGATCAGGTCCGTCGGCACGAGCTCAAACTCA[T>C]AGGGCGGGTTGGTGATGACATACCTGGACAGGGAAAGCAGAGATGTCACCTCCTGAGAGT-3'
Protein context (NP_001154824.1, residues 1152-1172): TKRYVITNPP[Tyr1162Cys]EFELVPTDLI

ClinVar aggregate classification (germline): Uncertain significance. Review status: criteria provided, multiple submitters, no conflicts (2 of 4 stars). 2 submissions from 2 submitters: Uncertain significance (2). Last evaluated 2024-01-08.

Conditions:
Generalized epilepsy-paroxysmal dyskinesia syndrome (PNKD3). Also called: Generalized epilepsy and paroxysmal dyskinesia; Paroxysmal nonkinesigenic dyskinesia, 3, with or without generalized epilepsy. Identifiers: Orphanet 79137, MedGen C5574945, MONDO:0012276, OMIM 609446.

Allele frequency attached by ClinVar (database versions not stated): gnomAD exomes 0.00001.
gnomAD v4.1: 12 of 1,614,050 alleles (0.00074%); highest among the groups gnomAD compares: East Asian, 0.0022%; no homozygotes.

Submissions (2):

Revvity Omics, Revvity
Classification: Uncertain significance. Last evaluated: 2024-01-08. Review status: criteria provided, single submitter. Criteria: ACMG Guidelines, 2015. Collection method: clinical testing. Allele origin: germline.

Labcorp Genetics (formerly Invitae), Labcorp
Classification: Uncertain significance for Generalized epilepsy-paroxysmal dyskinesia syndrome. Last evaluated: 2022-06-13. Review status: criteria provided, single submitter. Criteria: Invitae Variant Classification Sherloc (09022015). Collection method: clinical testing. Allele origin: germline.
Comment: In summary, the available evidence is currently insufficient to determine the role of this variant in disease. Therefore, it has been classified as a Variant of Uncertain Significance. Algorithms developed to predict the effect of sequence changes on RNA splicing suggest that this variant may create or strengthen a splice site. Algorithms developed to predict the effect of missense changes on protein structure and function are either unavailable or do not agree on the potential impact of this missense change (SIFT: "Tolerated"; PolyPhen-2: "Probably Damaging"; Align-GVGD: "Class C0"). This variant has not been reported in the literature in individuals affected with KCNMA1-related conditions. This variant is not present in population databases (gnomAD no frequency). This sequence change replaces tyrosine, which is neutral and polar, with cysteine, which is neutral and slightly polar, at codon 1104 of the KCNMA1 protein (p.Tyr1104Cys).